The following is an entry in ClinVar:

NM_001114753.3(ENG):c.1106C>T (p.Thr369Ile)

Gene: ENG (endoglin; minus strand). Cytogenetic location: 9q34.11.
Variant type: single nucleotide variant.
Coding change: c.1106C>T on transcript NM_001114753.3 (MANE Select); coding-DNA position 1106, C replaced by T.
Protein change: p.Thr369Ile; replaces threonine 369 with isoleucine.
Molecular consequence: missense variant.
Genome position (GRCh38, 1-based): chr9:127,824,332, G>A on the plus strand (C>T on the coding strand, the complement: ENG is on the minus strand). VCF-style: chr9-127824332-G-A. GRCh37 (hg19) VCF-style: chr9-130586611-G-A.
Other names: c.1106C>T (NM_000118.2, NM_001114753.1); c.1106C>T, p.Thr369Ile (NM_000118.4, NM_001406715.1); c.560C>T, p.Thr187Ile (NM_001278138.2); short protein forms T187I, T369I.
Identifiers: ClinVar variation 1468735 (VCV001468735.12), dbSNP rs775352287, ClinGen allele CA5252878.

ClinVar aggregate classification (germline): Uncertain significance. Review status: criteria provided, multiple submitters, no conflicts (2 of 4 stars). 3 submissions from 3 submitters: Uncertain significance (3). Last evaluated 2026-05-27.

Conditions:
Hereditary hemorrhagic telangiectasia (HHT). Also called: ORW DISEASE; Osler Weber Rendu syndrome; OSLER-RENDU-WEBER DISEASE; Osler hemorrhagic telangiectasia syndrome. Identifiers: Orphanet 774, MedGen C0039445, MONDO:0019180. Disease mechanism: loss of function.
Cardiovascular phenotype. Identifiers: MedGen CN230736.

Allele frequency attached by ClinVar (database versions not stated): gnomAD exomes below 0.00001; TOPMed below 0.00001; ExAC 0.00001.
gnomAD v4.1: 7 of 1,614,014 alleles (0.00043%); no homozygotes.

Submissions (3):

Ambry Genetics
Classification: Uncertain significance for Cardiovascular phenotype. Last evaluated: 2026-05-27. Review status: criteria provided, single submitter. Criteria: Ambry Variant Classification Scheme 2023. Collection method: clinical testing. Allele origin: germline.

GeneDx
Classification: Uncertain significance. Last evaluated: 2025-05-14. Review status: criteria provided, single submitter. Criteria: GeneDx Variant Classification Process June 2021. Collection method: clinical testing. Allele origin: germline. Affected: yes.
Comment: Not observed at significant frequency in large population cohorts (gnomAD); In silico analysis supports that this missense variant has a deleterious effect on protein structure/function; Has not been previously published as pathogenic or benign to our knowledge

Labcorp Genetics (formerly Invitae), Labcorp
Classification: Uncertain significance for Hereditary hemorrhagic telangiectasia. Last evaluated: 2025-01-23. Review status: criteria provided, single submitter. Criteria: Invitae Variant Classification Sherloc (09022015). Collection method: clinical testing. Allele origin: germline.
Comment: This sequence change replaces threonine, which is neutral and polar, with isoleucine, which is neutral and non-polar, at codon 369 of the ENG protein (p.Thr369Ile). This variant is present in population databases (rs775352287, gnomAD no frequency). This variant has not been reported in the literature in individuals affected with ENG-related conditions. ClinVar contains an entry for this variant (Variation ID: 1468735). Invitae Evidence Modeling of protein sequence and biophysical properties (such as structural, functional, and spatial information, amino acid conservation, physicochemical variation, residue mobility, and thermodynamic stability) indicates that this missense variant is expected to disrupt ENG protein function with a positive predictive value of 80%. In summary, the available evidence is currently insufficient to determine the role of this variant in disease. Therefore, it has been classified as a Variant of Uncertain Significance.